The following is an entry in ClinVar:

NM_144670.6(A2ML1):c.309T>A (p.Asn103Lys)

Genes: A2ML1 (alpha-2-macroglobulin like 1; plus strand), A2ML1-AS1 (A2ML1 antisense RNA 1; minus strand). Cytogenetic location: 12p13.31.
Variant type: single nucleotide variant.
Coding change: c.309T>A on transcript NM_144670.6 (MANE Select); coding-DNA position 309, T replaced by A.
Protein change: p.Asn103Lys; replaces asparagine 103 with lysine.
Molecular consequence: missense variant.
Genome position (GRCh38, 1-based): chr12:8,823,782, T>A. VCF-style: chr12-8823782-T-A. GRCh37 (hg19) VCF-style: chr12-8976378-T-A.
Other names: short protein forms N103K.
Identifiers: ClinVar variation 4252510 (VCV004252510.1).

ClinVar aggregate classification (germline): Uncertain significance (1 of 4 stars; one submission).

gnomAD v4.1: 23 of 1,613,966 alleles (0.0014%); highest among the groups gnomAD compares: South Asian, 0.025%; no homozygotes.

Submission:

Ambry Genetics
Classification: Uncertain significance. Last evaluated: 2025-07-03. Review status: criteria provided, single submitter. Criteria: Ambry Variant Classification Scheme 2023. Collection method: clinical testing. Allele origin: germline.
Comment: The p.N103K variant (also known as c.309T>A), located in coding exon 3 of the A2ML1 gene, results from a T to A substitution at nucleotide position 309. The asparagine at codon 103 is replaced by lysine, an amino acid with similar properties. This amino acid position is conserved. In addition, this alteration is predicted to be tolerated by in silico analysis. Based on the available evidence, the clinical significance of this variant remains unclear.